The following is an entry in ClinVar:

ClinVar aggregate classification (germline): Uncertain significance (1 of 4 stars; one submission).

Conditions:
Intellectual disability, CASK-related, X-linked. Identifiers: MedGen CN043158.

Allele frequency attached by ClinVar (database versions not stated): gnomAD exomes 0.00001 and 0.00002.

Submission:

Labcorp Genetics (formerly Invitae), Labcorp
Classification: Uncertain significance for Intellectual disability, CASK-related, X-linked. Last evaluated: 2021-08-27. Review status: criteria provided, single submitter. Criteria: Invitae Variant Classification Sherloc (09022015). Collection method: clinical testing. Allele origin: germline.
Comment: This sequence change replaces aspartic acid with glycine at codon 479 of the CASK protein (p.Asp479Gly). The aspartic acid residue is highly conserved and there is a moderate physicochemical difference between aspartic acid and glycine. This variant is not present in population databases (ExAC no frequency). This variant has not been reported in the literature in individuals affected with CASK-related conditions. Algorithms developed to predict the effect of missense changes on protein structure and function are either unavailable or do not agree on the potential impact of this missense change (SIFT: "Deleterious"; PolyPhen-2: "Benign"; Align-GVGD: "Class C65"). In summary, the available evidence is currently insufficient to determine the role of this variant in disease. Therefore, it has been classified as a Variant of Uncertain Significance.

NM_001367721.1(CASK):c.1436A>G (p.Asp479Gly)

Gene: CASK (calcium/calmodulin dependent serine protein kinase; minus strand). Cytogenetic location: Xp11.4.
Variant type: single nucleotide variant.
Coding change: c.1436A>G on transcript NM_001367721.1 (MANE Select); coding-DNA position 1436, A replaced by G.
Protein change: p.Asp479Gly; replaces aspartic acid 479 with glycine.
Molecular consequence: missense variant.
Genome position (GRCh38, 1-based): chrX:41,578,407, T>C on the plus strand (A>G on the coding strand, the complement: CASK is on the minus strand). VCF-style: chrX-41578407-T-C. GRCh37 (hg19) VCF-style: chrX-41437660-T-C.
Other names: c.1436A>G, p.Asp479Gly (NM_001126054.3, NM_003688.4); c.1418A>G, p.Asp473Gly (NM_001126055.3, NM_001410745.1); short protein forms D479G, D473G.
Identifiers: ClinVar variation 570388 (VCV000570388.3), dbSNP rs1141273, ClinGen allele CA329232231.